The following is an entry in ClinVar:

NM_024753.5(TTC21B):c.2636A>C (p.Gln879Pro)

Gene: TTC21B (tetratricopeptide repeat domain 21B; minus strand). Cytogenetic location: 2q24.3.
Variant type: single nucleotide variant.
Coding change: c.2636A>C on transcript NM_024753.5 (MANE Select); coding-DNA position 2636, A replaced by C.
Protein change: p.Gln879Pro; replaces glutamine 879 with proline.
Molecular consequence: missense variant.
Genome position (GRCh38, 1-based): chr2:165,901,843, T>G on the plus strand (A>C on the coding strand, the complement: TTC21B is on the minus strand). VCF-style: chr2-165901843-T-G. GRCh37 (hg19) VCF-style: chr2-166758353-T-G.
Other names: c.2636A>C (NM_024753.4); short protein forms Q879P.
Identifiers: ClinVar variation 1437934 (VCV001437934.7), dbSNP rs375464714, ClinGen allele CA59787716.

ClinVar aggregate classification (germline): Uncertain significance. Review status: criteria provided, multiple submitters, no conflicts (2 of 4 stars). 2 submissions from 2 submitters: Uncertain significance (2). Last evaluated 2026-06-03.

Conditions:
TTC21B-related disorder. Also called: TTC21B-related disorders; TTC21B-related condition.
Nephronophthisis. Also called: Juvenile Nephronophthisis. Identifiers: Orphanet 655, MedGen C0687120, MONDO:0019005, HP:0000090.
Jeune thoracic dystrophy. Also called: Jeune syndrome; Infantile thoracic dystrophy; Thoracic pelvic phalangeal dystrophy; Jeune's syndrome; Chondroectodermal dysplasia-like syndrome; Short-rib thoracic dysplasia. Identifiers: Orphanet 474, MedGen C0265275, MONDO:0018770.

Allele frequency attached by ClinVar (database versions not stated): gnomAD exomes below 0.00001; gnomAD 0.00001; TOPMed 0.00001; ESP Exome Variant Server 0.00008.
gnomAD v4.1: 3 of 1,614,008 alleles (0.00019%); highest among the groups gnomAD compares: Non-Finnish European, 0.00025%; no homozygotes.

Submissions (2):

PreventionGenetics, part of Exact Sciences
Classification: Uncertain significance for TTC21B-related condition. Last evaluated: 2026-06-03. Review status: criteria provided, single submitter. Criteria: ACMG Guidelines, 2015. Collection method: clinical testing. Allele origin: germline.
Comment: The TTC21B c.2636A>C variant is predicted to result in the amino acid substitution p.Gln879Pro. To our knowledge, this variant has not been reported in the literature or in a large population database (gnomAD), indicating this variant is rare. At this time, the clinical significance of this variant is uncertain due to the absence of conclusive functional and genetic evidence.

Labcorp Genetics (formerly Invitae), Labcorp
Classification: Uncertain significance for Jeune thoracic dystrophy; Nephronophthisis. Last evaluated: 2022-08-16. Review status: criteria provided, single submitter. Criteria: Invitae Variant Classification Sherloc (09022015). Collection method: clinical testing. Allele origin: germline.
Comment: In summary, the available evidence is currently insufficient to determine the role of this variant in disease. Therefore, it has been classified as a Variant of Uncertain Significance. Algorithms developed to predict the effect of missense changes on protein structure and function are either unavailable or do not agree on the potential impact of this missense change (SIFT: "Tolerated"; PolyPhen-2: "Probably Damaging"; Align-GVGD: "Class C0"). ClinVar contains an entry for this variant (Variation ID: 1437934). This variant has not been reported in the literature in individuals affected with TTC21B-related conditions. This variant is not present in population databases (gnomAD no frequency). This sequence change replaces glutamine, which is neutral and polar, with proline, which is neutral and non-polar, at codon 879 of the TTC21B protein (p.Gln879Pro).